The following is an entry in ClinVar:

NM_000111.3(SLC26A3):c.295G>A (p.Asp99Asn)

Gene: SLC26A3 (solute carrier family 26 member 3; minus strand). Cytogenetic location: 7q22.3.
Variant type: single nucleotide variant.
Coding change: c.295G>A on transcript NM_000111.3 (MANE Select); coding-DNA position 295, G replaced by A.
Protein change: p.Asp99Asn; replaces aspartic acid 99 with asparagine.
Molecular consequence: missense variant.
Genome position (GRCh38, 1-based): chr7:107,791,917, C>T on the plus strand (G>A on the coding strand, the complement: SLC26A3 is on the minus strand). VCF-style: chr7-107791917-C-T. GRCh37 (hg19) VCF-style: chr7-107432362-C-T.
Other names: short protein forms D99N.
Identifiers: ClinVar variation 908325 (VCV000908325.7), dbSNP rs150004100, ClinGen allele CA4434174.

ClinVar aggregate classification (germline): Conflicting classifications of pathogenicity. Review status: criteria provided, conflicting classifications (1 of 4 stars). 3 submissions from 3 submitters: Uncertain significance (2); Likely benign (1). Last evaluated 2023-12-08.

Conditions:
Inborn genetic diseases. Identifiers: MedGen C0950123, MeSH D030342.
Congenital secretory diarrhea, chloride type (DIAR1). Also called: CHLORIDE DIARRHEA, CONGENITAL, FINNISH TYPE; DIARRHEA 1, SECRETORY CHLORIDE, CONGENITAL; CHLORIDORRHEA, CONGENITAL. Identifiers: Orphanet 53689, MedGen C0267662, MONDO:0008964, OMIM 214700.

Allele frequency attached by ClinVar (database versions not stated): ExAC 0.00006; gnomAD 0.00007; gnomAD exomes 0.00007; TOPMed 0.00008; ESP Exome Variant Server 0.00015.
gnomAD v4.1: 74 of 1,612,912 alleles (0.0046%); highest among the groups gnomAD compares: Admixed American, 0.012%; no homozygotes.

Submissions (3):

Ambry Genetics
Classification: Likely benign for Inborn genetic diseases. Last evaluated: 2023-12-08. Review status: criteria provided, single submitter. Criteria: Ambry Variant Classification Scheme 2023. Collection method: clinical testing. Allele origin: germline.

Labcorp Genetics (formerly Invitae), Labcorp
Classification: Uncertain significance. Last evaluated: 2022-03-08. Review status: criteria provided, single submitter. Criteria: Invitae Variant Classification Sherloc (09022015). Collection method: clinical testing. Allele origin: germline.
Comment: This sequence change replaces aspartic acid, which is acidic and polar, with asparagine, which is neutral and polar, at codon 99 of the SLC26A3 protein (p.Asp99Asn). This variant is present in population databases (rs150004100, gnomAD 0.02%). This variant has not been reported in the literature in individuals affected with SLC26A3-related conditions. ClinVar contains an entry for this variant (Variation ID: 908325). Advanced modeling of protein sequence and biophysical properties (such as structural, functional, and spatial information, amino acid conservation, physicochemical variation, residue mobility, and thermodynamic stability) performed at Invitae indicates that this missense variant is not expected to disrupt SLC26A3 protein function. In summary, the available evidence is currently insufficient to determine the role of this variant in disease. Therefore, it has been classified as a Variant of Uncertain Significance.

Illumina Laboratory Services, Illumina
Classification: Uncertain significance for Congenital secretory diarrhea, chloride type. Last evaluated: 2018-01-13. Review status: criteria provided, single submitter. Criteria: ICSL Variant Classification Criteria 13 December 2019. Collection method: clinical testing. Allele origin: germline.